The following is an entry in ClinVar:

ClinVar aggregate classification (germline): Pathogenic. Review status: criteria provided, multiple submitters, no conflicts (2 of 4 stars). 5 submissions from 5 submitters: Pathogenic (5). Last evaluated 2026-01-02.

Conditions:
Hereditary nonpolyposis colorectal neoplasms. Identifiers: MedGen C0009405, MeSH D003123.
Hereditary cancer-predisposing syndrome. Also called: Tumor predisposition; Hereditary Cancer Syndrome; Neoplastic Syndromes, Hereditary; Hereditary neoplastic syndrome. Identifiers: Orphanet 140162, MedGen C0027672, MeSH D009386, MONDO:0015356.
Lynch syndrome 4 (LYNCH4). Also called: Colorectal cancer, hereditary nonpolyposis, type 4; Hereditary non-polyposis colorectal cancer, type 4. Identifiers: Orphanet 144, MedGen C1838333, MONDO:0013699, OMIM 614337. Disease mechanism: loss of function.

Submissions (5):

Ambry Genetics
Classification: Pathogenic for Hereditary cancer-predisposing syndrome. Last evaluated: 2026-01-02. Review status: criteria provided, single submitter. Criteria: Ambry Variant Classification Scheme 2023. Collection method: clinical testing. Allele origin: germline.
Comment: The p.Q567* pathogenic mutation (also known as c.1699C>T), located in coding exon 11 of the PMS2 gene, results from a C to T substitution at nucleotide position 1699. This changes the amino acid from a glutamine to a stop codon within coding exon 11. This variant is considered to be rare based on population cohorts in the Genome Aggregation Database (gnomAD). This alteration is expected to result in loss of function by premature protein truncation or nonsense-mediated mRNA decay. As such, this alteration is interpreted as a disease-causing mutation.

Labcorp Genetics (formerly Invitae), Labcorp
Classification: Pathogenic for Hereditary nonpolyposis colorectal neoplasms. Last evaluated: 2025-04-14. Review status: criteria provided, single submitter. Criteria: Invitae Variant Classification Sherloc (09022015). Collection method: clinical testing. Allele origin: germline.
Comment: This sequence change creates a premature translational stop signal (p.Gln567*) in the PMS2 gene. It is expected to result in an absent or disrupted protein product. Loss-of-function variants in PMS2 are known to be pathogenic (PMID: 21376568, 24362816). This variant is not present in population databases (gnomAD no frequency). This variant has not been reported in the literature in individuals affected with PMS2-related conditions. ClinVar contains an entry for this variant (Variation ID: 545989). For these reasons, this variant has been classified as Pathogenic.

GeneDx
Classification: Pathogenic. Last evaluated: 2025-03-20. Review status: criteria provided, single submitter. Criteria: GeneDx Variant Classification Process June 2021. Collection method: clinical testing. Allele origin: germline. Affected: yes.
Comment: Nonsense variant predicted to result in protein truncation or nonsense mediated decay in a gene for which loss of function is a known mechanism of disease; Not observed at significant frequency in large population cohorts (gnomAD); Truncating variants in this gene are considered pathogenic by a well-established clinical consortium and/or database; Has not been previously published as pathogenic or benign to our knowledge

Myriad Genetics, Inc.
Classification: Pathogenic for Lynch syndrome 4. Last evaluated: 2023-09-20. Review status: criteria provided, single submitter. Criteria: Myriad Autosomal Dominant, Autosomal Recessive and X-Linked Classification Criteria (2023). Collection method: clinical testing. Allele origin: unknown.
Comment: This variant is considered pathogenic. This variant creates a termination codon and is predicted to result in premature protein truncation.

Revvity Omics, Revvity
Classification: Pathogenic. Last evaluated: 2019-08-08. Review status: criteria provided, single submitter. Criteria: ACMG Guidelines, 2015. Collection method: clinical testing. Allele origin: germline.

Literature cited by the submitters: PubMed 21376568 (cited by Labcorp Genetics (formerly Invitae), Labcorp); PubMed 24362816 (cited by Labcorp Genetics (formerly Invitae), Labcorp).

NM_000535.7(PMS2):c.1699C>T (p.Gln567Ter)

Gene: PMS2 (PMS1 homolog 2, mismatch repair system component; minus strand). Cytogenetic location: 7p22.1.
Variant type: single nucleotide variant.
Coding change: c.1699C>T on transcript NM_000535.7 (MANE Select); coding-DNA position 1699, C replaced by T.
Protein change: p.Gln567Ter; replaces glutamine 567 with a stop codon.
Molecular consequence: nonsense. On other transcripts: non-coding transcript variant (1).
Genome position (GRCh38, 1-based): chr7:5,987,066, G>A on the plus strand (C>T on the coding strand, the complement: PMS2 is on the minus strand). VCF-style: chr7-5987066-G-A. GRCh37 (hg19) VCF-style: chr7-6026697-G-A.
Other names: c.1294C>T, p.Gln432Ter (NM_001322003.2, NM_001322004.2, NM_001322005.2 and 1 more transcripts); c.1543C>T, p.Gln515Ter (NM_001322006.2); c.1381C>T, p.Gln461Ter (NM_001322007.2, NM_001322008.2); c.1138C>T, p.Gln380Ter (NM_001322010.2); c.766C>T, p.Gln256Ter (NM_001322011.2, NM_001322012.2); c.1126C>T, p.Gln376Ter (NM_001322013.2); c.1699C>T, p.Gln567Ter (NM_001322014.2); c.1390C>T, p.Gln464Ter (NM_001322015.2); short protein forms Q567*, Q432*, Q464*, Q256*, Q515*, Q380*, Q461*, Q376*.
Identifiers: ClinVar variation 545989 (VCV000545989.12), dbSNP rs1554297342, ClinGen allele CA366741147.
Genomic context (GRCh38, chr7:5,987,066, plus strand): 5'-TGGAAAGAATTTCTTCTTTTTTAAAACGCTTTGTGTTTGGGGTTGCGAGATTAGTTGGCT[G>A]AGGCAAAACTCGAAATTTACATCCGGTATCTTCCTGGTTTGAATGGCAGTCCACATCTGA-3'